The following is an entry in ClinVar:

NM_005989.4(AKR1D1):c.946G>A (p.Asp316Asn)

Gene: AKR1D1 (aldo-keto reductase family 1 member D1; plus strand). Cytogenetic location: 7q33.
Variant type: single nucleotide variant.
Coding change: c.946G>A on transcript NM_005989.4 (MANE Select); coding-DNA position 946, G replaced by A.
Protein change: p.Asp316Asn; replaces aspartic acid 316 with asparagine.
Molecular consequence: missense variant.
Genome position (GRCh38, 1-based): chr7:138,116,627, G>A. VCF-style: chr7-138116627-G-A. GRCh37 (hg19) VCF-style: chr7-137801373-G-A.
Other names: c.946G>A (NM_005989.3); c.823G>A, p.Asp275Asn (NM_001190906.2); c.863G>A, p.Arg288Gln (NM_001190907.2); short protein forms R288Q, D275N, D316N.
Identifiers: ClinVar variation 2990985 (VCV002990985.4), dbSNP rs142012948, ClinGen allele CA4502892.

ClinVar aggregate classification (germline): Uncertain significance. Review status: criteria provided, multiple submitters, no conflicts (2 of 4 stars). 2 submissions from 2 submitters: Uncertain significance (2). Last evaluated 2026-08-24.

Conditions:
AKR1D1-related disorder. Also called: AKR1D1-related condition.

Allele frequency attached by ClinVar (database versions not stated): TOPMed below 0.00001; ExAC 0.00002; ESP Exome Variant Server 0.00008.
gnomAD v4.1: 15 of 1,614,112 alleles (0.00093%); highest among the groups gnomAD compares: Middle Eastern, 0.016%; no homozygotes.

Submissions (2):

PreventionGenetics, part of Exact Sciences
Classification: Uncertain significance for AKR1D1-related condition. Last evaluated: 2026-08-24. Review status: criteria provided, single submitter. Criteria: ACMG Guidelines, 2015. Collection method: clinical testing. Allele origin: germline.
Comment: The AKR1D1 c.946G>A variant is predicted to result in the amino acid substitution p.Asp316Asn. To our knowledge, this variant has not been reported in the literature. This variant is reported in 0.0087% of alleles in individuals of Latino descent in gnomAD. At this time, the clinical significance of this variant is uncertain due to the absence of conclusive functional and genetic evidence.

Labcorp Genetics (formerly Invitae), Labcorp
Classification: Uncertain significance. Last evaluated: 2022-11-01. Review status: criteria provided, single submitter. Criteria: Invitae Variant Classification Sherloc (09022015). Collection method: clinical testing. Allele origin: germline.
Comment: In summary, the available evidence is currently insufficient to determine the role of this variant in disease. Therefore, it has been classified as a Variant of Uncertain Significance. Algorithms developed to predict the effect of missense changes on protein structure and function (SIFT, PolyPhen-2, Align-GVGD) all suggest that this variant is likely to be tolerated. This variant has not been reported in the literature in individuals affected with AKR1D1-related conditions. This variant is present in population databases (rs142012948, gnomAD 0.009%). This sequence change replaces aspartic acid, which is acidic and polar, with asparagine, which is neutral and polar, at codon 316 of the AKR1D1 protein (p.Asp316Asn).